The following is an entry in ClinVar:

NM_001953.5(TYMP):c.721G>A (p.Val241Ile)

Gene: TYMP (thymidine phosphorylase; minus strand). Cytogenetic location: 22q13.33.
Variant type: single nucleotide variant.
Coding change: c.721G>A on transcript NM_001953.5 (MANE Select); coding-DNA position 721, G replaced by A.
Protein change: p.Val241Ile; replaces valine 241 with isoleucine.
Molecular consequence: missense variant.
Genome position (GRCh38, 1-based): chr22:50,527,209, C>T on the plus strand (G>A on the coding strand, the complement: TYMP is on the minus strand). VCF-style: chr22-50527209-C-T. GRCh37 (hg19) VCF-style: chr22-50965638-C-T.
Other names: c.721G>A, p.Val241Ile (NM_001113755.3, NM_001113756.3, NM_001257988.1 and 1 more transcripts); short protein forms V241I.
Identifiers: ClinVar variation 2192815 (VCV002192815.4), dbSNP rs2069422394, ClinGen allele CA412200610.

ClinVar aggregate classification (germline): Uncertain significance (1 of 4 stars; one submission).

Submission:

Labcorp Genetics (formerly Invitae), Labcorp
Classification: Uncertain significance. Last evaluated: 2022-01-06. Review status: criteria provided, single submitter. Criteria: Invitae Variant Classification Sherloc (09022015). Collection method: clinical testing. Allele origin: germline.
Comment: In summary, the available evidence is currently insufficient to determine the role of this variant in disease. Therefore, it has been classified as a Variant of Uncertain Significance. Advanced modeling of protein sequence and biophysical properties (such as structural, functional, and spatial information, amino acid conservation, physicochemical variation, residue mobility, and thermodynamic stability) performed at Invitae indicates that this missense variant is not expected to disrupt TYMP protein function. This variant has not been reported in the literature in individuals affected with TYMP-related conditions. This variant is not present in population databases (gnomAD no frequency). This sequence change replaces valine, which is neutral and non-polar, with isoleucine, which is neutral and non-polar, at codon 241 of the TYMP protein (p.Val241Ile).